The following is an entry in ClinVar:

NM_015450.3(POT1):c.556G>A (p.Gly186Ser)

Gene: POT1 (protection of telomeres 1; minus strand). Cytogenetic location: 7q31.33.
Variant type: single nucleotide variant.
Coding change: c.556G>A on transcript NM_015450.3 (MANE Select); coding-DNA position 556, G replaced by A.
Protein change: p.Gly186Ser; replaces glycine 186 with serine.
Molecular consequence: missense variant. On other transcripts: non-coding transcript variant (3).
Genome position (GRCh38, 1-based): chr7:124,859,103, C>T on the plus strand (G>A on the coding strand, the complement: POT1 is on the minus strand). VCF-style: chr7-124859103-C-T. GRCh37 (hg19) VCF-style: chr7-124499157-C-T.
Other names: c.163G>A, p.Gly55Ser (NM_001042594.2); short protein forms G186S, G55S.
Identifiers: ClinVar variation 2829606 (VCV002829606.3), dbSNP rs1795519734, ClinGen allele CA369056816.

ClinVar aggregate classification (germline): Uncertain significance (1 of 4 stars; one submission).

Conditions:
Tumor predisposition syndrome 3 (TPDS3). Also called: Melanoma, cutaneous malignant, susceptibility to, 10; LONG TELOMERE SYNDROME, POT1-RELATED; POT1 Tumor Predisposition; Glioma susceptibility 9. Identifiers: Orphanet 618, MedGen C4014476, MONDO:0014368, OMIM 615848.

Submission:

Labcorp Genetics (formerly Invitae), Labcorp
Classification: Uncertain significance for Tumor predisposition syndrome 3. Last evaluated: 2023-01-17. Review status: criteria provided, single submitter. Criteria: Invitae Variant Classification Sherloc (09022015). Collection method: clinical testing. Allele origin: germline.
Comment: This sequence change replaces glycine, which is neutral and non-polar, with serine, which is neutral and polar, at codon 186 of the POT1 protein (p.Gly186Ser). This variant is not present in population databases (gnomAD no frequency). This variant has not been reported in the literature in individuals affected with POT1-related conditions. Advanced modeling of protein sequence and biophysical properties (such as structural, functional, and spatial information, amino acid conservation, physicochemical variation, residue mobility, and thermodynamic stability) performed at Invitae indicates that this missense variant is not expected to disrupt POT1 protein function. Algorithms developed to predict the effect of sequence changes on RNA splicing suggest that this variant may disrupt the consensus splice site. In summary, the available evidence is currently insufficient to determine the role of this variant in disease. Therefore, it has been classified as a Variant of Uncertain Significance.